The following is an entry in ClinVar:

ClinVar aggregate classification (germline): Likely pathogenic (1 of 4 stars; one submission).

Conditions:
RASGRP1-related disorder. Also called: RASGRP1-related condition.

Submission:

PreventionGenetics, part of Exact Sciences
Classification: Likely pathogenic for RASGRP1-related condition. Last evaluated: 2025-09-29. Review status: criteria provided, single submitter. Criteria: ACMG Guidelines, 2015. Collection method: clinical testing. Allele origin: germline.
Comment: The RASGRP1 c.805C>T variant is predicted to result in premature protein termination (p.Gln269*). To our knowledge, this variant has not been reported in the literature or in a large population database (gnomAD), indicating this variant is rare. Nonsense variants in RASGRP1 are expected to be pathogenic. This variant is interpreted as likely pathogenic.

NM_005739.4(RASGRP1):c.805C>T (p.Gln269Ter)

Gene: RASGRP1 (RAS guanyl releasing protein 1; minus strand). Cytogenetic location: 15q14.
Variant type: single nucleotide variant.
Coding change: c.805C>T on transcript NM_005739.4 (MANE Select); coding-DNA position 805, C replaced by T.
Protein change: p.Gln269Ter; replaces glutamine 269 with a stop codon.
Molecular consequence: nonsense.
Genome position (GRCh38, 1-based): chr15:38,512,827, G>A on the plus strand (C>T on the coding strand, the complement: RASGRP1 is on the minus strand). VCF-style: chr15-38512827-G-A. GRCh37 (hg19) VCF-style: chr15-38805028-G-A.
Other names: c.805C>T, p.Gln269Ter (NM_001128602.2, NM_001306086.2); short protein forms Q269*.
Identifiers: ClinVar variation 4992726 (VCV004992726.1).